The following is an entry in ClinVar:

NM_003995.4(NPR2):c.2901T>G (p.Ala967=)

Genes: NPR2 (natriuretic peptide receptor 2; plus strand), SPAG8 (sperm associated antigen 8; minus strand). Cytogenetic location: 9p13.3.
Variant type: single nucleotide variant.
Coding change: c.2901T>G on transcript NM_003995.4 (MANE Select); coding-DNA position 2901, T replaced by G.
Protein change: p.Ala967=; no amino-acid change (alanine 967 retained).
Molecular consequence: synonymous variant. On other transcripts: intron variant (2).
Genome position (GRCh38, 1-based): chr9:35,808,768, T>G. VCF-style: chr9-35808768-T-G. GRCh37 (hg19) VCF-style: chr9-35808765-T-G.
Other names: c.2910T>G, p.Ala970= (NM_001378923.1); c.1201-462A>C (NM_001366760.2); c.1373-462A>C (NM_172312.2).
Identifiers: ClinVar variation 2924854 (VCV002924854.5), dbSNP rs539452309, ClinGen allele CA5052158.

ClinVar aggregate classification (germline): Benign. Review status: criteria provided, single submitter (1 of 4 stars). 2 submissions from 2 submitters: Benign (1). 1 of the submissions does not count toward it. Last evaluated 2025-02-24.

Conditions:
Acromesomelic dysplasia 1, Maroteaux type (AMD1). Also called: ST. HELENA DYSPLASIA; ACROMESOMELIC DYSPLASIA 1. Identifiers: Orphanet 40, MedGen C1864356, MONDO:0011275, OMIM 602875.
Tall stature-scoliosis-macrodactyly of the great toes syndrome. Also called: Epiphyseal chondrodysplasia, miura type. Identifiers: Orphanet 329191, MedGen C4014690, MONDO:0014401, OMIM 615923.
NPR2-related disorder. Also called: NPR2-related disorders; NPR2-related condition.

Allele frequency attached by ClinVar (database versions not stated): TOPMed below 0.00001; gnomAD 0.00006; 1000 Genomes Project 0.00040; ExAC 0.00039; 1000 Genomes Project 30x 0.00047.
gnomAD v4.1: 256 of 1,613,664 alleles (0.016%); highest among the groups gnomAD compares: South Asian, 0.28%; 3 homozygotes.

Submissions (2):

Labcorp Genetics (formerly Invitae), Labcorp
Classification: Benign for Tall stature-scoliosis-macrodactyly of the great toes syndrome; Acromesomelic dysplasia 1, Maroteaux type. Last evaluated: 2025-02-24. Review status: criteria provided, single submitter. Criteria: Invitae Variant Classification Sherloc (09022015). Collection method: clinical testing. Allele origin: germline.

PreventionGenetics, part of Exact Sciences
Classification: Likely benign for NPR2-related condition. Last evaluated: 2023-03-14. Review status: no assertion criteria provided. Collection method: clinical testing. Allele origin: germline. Not counted in ClinVar's aggregate classification.
Comment: This variant is classified as likely benign based on ACMG/AMP sequence variant interpretation guidelines (Richards et al. 2015 PMID: 25741868, with internal and published modifications).